The following is an entry in ClinVar:

NM_024769.5(CLMP):c.664C>T (p.Arg222Ter)

Gene: CLMP (CXADR like cell adhesion molecule; minus strand). Cytogenetic location: 11q24.1.
Variant type: single nucleotide variant.
Coding change: c.664C>T on transcript NM_024769.5 (MANE Select); coding-DNA position 664, C replaced by T.
Protein change: p.Arg222Ter; replaces arginine 222 with a stop codon.
Molecular consequence: nonsense.
Genome position (GRCh38, 1-based): chr11:123,083,100, G>A on the plus strand (C>T on the coding strand, the complement: CLMP is on the minus strand). VCF-style: chr11-123083100-G-A. GRCh37 (hg19) VCF-style: chr11-122953808-G-A.
Other names: short protein forms R222*.
Identifiers: ClinVar variation 50385 (VCV000050385.7), dbSNP rs587776966, ClinGen allele CA214422.

ClinVar aggregate classification (germline): Pathogenic. Review status: criteria provided, multiple submitters, no conflicts (2 of 4 stars). 3 submissions from 3 submitters: Pathogenic (2). 1 of the submissions does not count toward it. Last evaluated 2017-12-03.

Conditions:
Congenital short bowel syndrome, autosomal recessive. Identifiers: MedGen CN296805, MONDO:0020718, OMIM 615237.
Intestinal pseudo-obstruction. Also called: Hollow visceral myopathy. Identifiers: MedGen C0021847, MONDO:0002803, HP:0004389.

Allele frequency attached by ClinVar (database versions not stated): ExAC 0.00001; gnomAD exomes below 0.00001; TOPMed 0.00001.
gnomAD v4.1: 9 of 1,614,090 alleles (0.00056%); highest among the groups gnomAD compares: Non-Finnish European, 0.00042%; no homozygotes.

Submissions (3):

Genomic Research Center, Shahid Beheshti University of Medical Sciences
Classification: Pathogenic for Intestinal pseudo-obstruction. Last evaluated: 2017-12-03. Review status: criteria provided, single submitter. Criteria: ACMG Guidelines, 2015. Collection method: clinical testing. Allele origin: inherited. Affected: yes.

Groupe Hospitalier Pitie Salpetriere, Uf Genomique Du Developpement, Assistance Publique Hopitaux de Paris Sorbonne Université
Classification: Pathogenic for Congenital short bowel syndrome. Last evaluated: 2017-01-06. Review status: criteria provided, single submitter. Criteria: ACMG Guidelines, 2015. Collection method: clinical testing. Allele origin: inherited. Affected: yes. Observed: 1 variant allele.
Comment: neonatal feeding difficulties; no Intellectual disability

OMIM
Classification: Pathogenic for CONGENITAL SHORT BOWEL SYNDROME. Last evaluated: 2012-03-01. Review status: no assertion criteria provided. Collection method: literature only. Allele origin: germline. Not counted in ClinVar's aggregate classification.

Literature cited by the submitters: PubMed 28708303 (cited by Groupe Hospitalier Pitie Salpetriere, Uf Genomique Du Developpement, Assistance Publique Hopitaux de Paris Sorbonne Université); PubMed 18209785 (cited by OMIM); PubMed 22155368 (cited by OMIM); Hofstra, R. W. M. Personal Communication. 2013. Groningen, The Netherlands (cited by OMIM).